The following is an entry in ClinVar:

NC_000006.12:g.(?_64230592)_(64230824_?)del

Gene: EYS (eyes shut homolog; minus strand). Cytogenetic location: 6q12.
Variant type: Deletion.
Identifiers: ClinVar variation 831504 (VCV000831504.1).

ClinVar aggregate classification (germline): Pathogenic (1 of 4 stars; one submission).

Submission:

Labcorp Genetics (formerly Invitae), Labcorp
Classification: Pathogenic. Last evaluated: 2019-07-30. Review status: criteria provided, single submitter. Criteria: Invitae Variant Classification Sherloc (09022015). Collection method: clinical testing. Allele origin: germline.
Comment: This variant is an out-of-frame deletion of the genomic region encompassing exon 31 of the EYS gene. This is expected to create a premature translational stop signal and result in an absent or disrupted protein product. This variant has not been reported in the literature in individuals with EYS-related conditions. Loss-of-function variants in EYS are known to be pathogenic (PMID: 18836446, 20333770). For these reasons, this variant has been classified as Pathogenic.